The following is an entry in ClinVar:

ClinVar aggregate classification (germline): Conflicting classifications of pathogenicity. Review status: criteria provided, conflicting classifications (1 of 4 stars). 3 submissions from 3 submitters: Pathogenic (1); Uncertain significance (2). Last evaluated 2025-11-21.

Conditions:
Hepatic methionine adenosyltransferase deficiency. Also called: Deficiency of methionine adenosyltransferase; Methionine adenosyltransferase deficiency; MAT I/III DEFICIENCY; Isolated Persistent Hypermethioninemia. Identifiers: Orphanet 168598, MedGen C0268621, MeSH C564683, MONDO:0009607, OMIM 250850.

Submissions (3):

Women's Health and Genetics/Laboratory Corporation of America, LabCorp
Classification: Uncertain significance. Last evaluated: 2025-11-21. Review status: criteria provided, single submitter. Criteria: LabCorp Variant Classification Summary - May 2015. Collection method: clinical testing. Allele origin: germline.
Comment: Variant summary: MAT1A c.964A>T (p.Ile322Phe) results in a non-conservative amino acid change in the encoded protein sequence. Algorithms developed to predict the effect of missense changes on protein structure and function all suggest that this variant is likely to be disruptive. The variant was absent in 251416 control chromosomes. The available data on variant occurrences in the general population are insufficient to allow any conclusion about variant significance. To our knowledge, no occurrence of c.964A>T in individuals affected with MAT1A-related conditions and no experimental evidence demonstrating its impact on protein function have been reported. A different variant affecting the same codon has been classified as pathogenic by our lab (c.964A>G, p.Ile322Val) and another variant affecting the same codon MAT1A c.966T>G (p.Ile322Met) has also been reported in the literature in homozygous and compound heterozygous individuals affected with MAT1A-related conditions, along with functional evidence demonstrating an effect on protein function (PMID: 7560086, 10677294), supporting the critical relevance of codon 322 to MAT1A protein function. ClinVar contains an entry for this variant (Variation ID: 372407). Based on the evidence outlined above, the variant was classified as VUS-possibly pathogenic.

Labcorp Genetics (formerly Invitae), Labcorp
Classification: Uncertain significance for Hepatic methionine adenosyltransferase deficiency. Last evaluated: 2018-02-08. Review status: criteria provided, single submitter. Criteria: Invitae Variant Classification Sherloc (09022015). Collection method: clinical testing. Allele origin: germline.
Comment: Algorithms developed to predict the effect of missense changes on protein structure and function do not agree on the potential impact of this missense change (SIFT: "Deleterious"; PolyPhen-2: "Benign"; Align-GVGD: "Class C0"). In summary, the available evidence is currently insufficient to determine the role of this variant in disease. Therefore, it has been classified as a Variant of Uncertain Significance. Different missense substitutions at this codon (p.Ile322Val, p.Ile322Met) have been reported in the homozygous state and in combination with another MAT1A variant in individuals affected with MAT1A-deficiency (PMID: 20675163, 7560086). This variant has not been reported in the literature in individuals with MAT1A-related disease. ClinVar contains an entry for this variant (Variation ID: 372407). This variant is not present in population databases (ExAC no frequency). This sequence change replaces isoleucine with phenylalanine at codon 322 of the MAT1A protein (p.Ile322Phe). The isoleucine residue is highly conserved and there is a small physicochemical difference between isoleucine and phenylalanine.

GeneDx
Classification: Pathogenic. Last evaluated: 2016-06-01. Review status: criteria provided, single submitter. Criteria: GeneDx Variant Classification (06012015). Collection method: clinical testing. Allele origin: germline. Affected: yes.
Comment: The I322F variant in the MAT1A gene has not been published as a pathogenic variant, nor has it been reported as a benign variant to our knowledge. It was not observed in approximately 6500 individuals of European and African American ancestry in the NHLBI Exome Sequencing Project, indicating it is not a common benign variant in these populations. Although the I322F variant is a conservative amino acid change, this position is conserved across species and two other conservative missense variants at this position (I322M, I322V) have been reported in association with methionine adenosyltransferase I/III (MAT I/III) deficiency (Ubagai et al. 1995; FernÃ¡ndez-Irigoyen et al. 2010). Expression studies found that both the I322M and I322V variants were associated with reduced methionine adenosyltransferase I/III activity (Ubagai et al. 1995; FernÃ¡ndez-Irigoyen et al. 2010). In summary, we interpret I322F to be a pathogenic variant.

Literature cited by the submitters: PubMed 20675163 (cited by Labcorp Genetics (formerly Invitae), Labcorp); PubMed 7560086 (cited by Labcorp Genetics (formerly Invitae), Labcorp).

NM_000429.3(MAT1A):c.964A>T (p.Ile322Phe)

Gene: MAT1A (methionine adenosyltransferase 1A; minus strand). Cytogenetic location: 10q22.3.
Variant type: single nucleotide variant.
Coding change: c.964A>T on transcript NM_000429.3 (MANE Select); coding-DNA position 964, A replaced by T.
Protein change: p.Ile322Phe; replaces isoleucine 322 with phenylalanine.
Molecular consequence: missense variant.
Genome position (GRCh38, 1-based): chr10:80,274,641, T>A on the plus strand (A>T on the coding strand, the complement: MAT1A is on the minus strand). VCF-style: chr10-80274641-T-A. GRCh37 (hg19) VCF-style: chr10-82034397-T-A.
Other names: short protein forms I322F.
Identifiers: ClinVar variation 372407 (VCV000372407.11), dbSNP rs1057517759, ClinGen allele CA16042740.